The following is an entry in ClinVar:

NM_004817.4(TJP2):c.1000C>T (p.Arg334Ter)

Gene: TJP2 (tight junction protein 2; plus strand). Cytogenetic location: 9q21.11.
Variant type: single nucleotide variant.
Coding change: c.1000C>T on transcript NM_004817.4 (MANE Select); coding-DNA position 1000, C replaced by T.
Protein change: p.Arg334Ter; replaces arginine 334 with a stop codon.
Molecular consequence: nonsense.
Genome position (GRCh38, 1-based): chr9:69,225,351, C>T. VCF-style: chr9-69225351-C-T. GRCh37 (hg19) VCF-style: chr9-71840267-C-T.
Other names: c.931C>T, p.Arg311Ter (NM_001170414.2, NM_001369870.1, NM_001369871.1); c.1012C>T, p.Arg338Ter (NM_001170415.1, NM_001369874.1, NM_001369875.1); c.1093C>T, p.Arg365Ter (NM_001170416.2); c.1000C>T, p.Arg334Ter (NM_001369872.1, NM_001369873.1, NM_201629.3); short protein forms R334*, R311*, R338*, R365*.
Identifiers: ClinVar variation 694274 (VCV000694274.3), dbSNP rs1182781290, ClinGen allele CA373530259.

ClinVar aggregate classification (germline): Likely pathogenic. Review status: criteria provided, single submitter (1 of 4 stars). 2 submissions from 2 submitters: Likely pathogenic (1). 1 of the submissions does not count toward it.

Conditions:
Cholestasis, progressive familial intrahepatic, 4. Identifiers: Orphanet 480483, Orphanet 79304, MedGen C2931067, MONDO:0014381, OMIM 615878.

Submissions (2):

Neuberg Centre For Genomic Medicine, NCGM
Classification: Likely pathogenic for Cholestasis, progressive familial intrahepatic, 4. Review status: criteria provided, single submitter. Criteria: ACMG Guidelines, 2015. Collection method: clinical testing. Allele origin: germline. Inheritance: Autosomal recessive inheritance. Affected: yes.
Comment: The stop gained c.1000C>T (p.Arg334Ter) variant in TJP2 gene has been reported in ClinVar as Pathogenic, but no details are provided for independent assessment. It has not been reported in affected individuals. The variant is novel (not in any individuals) in gnomAD Exomes and is novel (not in any individuals) in 1000 Genomes. The nucleotide change c.1000C>T in TJP2 is predicted as conserved by GERP++ and PhyloP across 100 vertebrates. This variant is predicted to cause loss of normal protein function through protein truncation. Loss of function variants have been previously reported to be disease causing. For these reasons, this variant has been classified as Likely Pathogenic.

The Center for Pediatric Liver Diseases, Children’s Hospital of Fudan University
Classification: Pathogenic for Progressive familial intrahepatic cholestasis 4. Last evaluated: 2019-09-24. Review status: no assertion criteria provided. Collection method: clinical testing. Allele origin: paternal. Inheritance: Autosomal recessive inheritance. Affected: yes. Not counted in ClinVar's aggregate classification.